The following is an entry in ClinVar:

NM_001845.6(COL4A1):c.781-6T>A

Gene: COL4A1 (collagen type IV alpha 1 chain; minus strand). Cytogenetic location: 13q34.
Variant type: single nucleotide variant.
Coding change: c.781-6T>A on transcript NM_001845.6 (MANE Select); 6 bases into the intron before coding-DNA position 781, T replaced by A.
Molecular consequence: intron variant.
Genome position (GRCh38, 1-based): chr13:110,206,897, A>T on the plus strand (T>A on the coding strand, the complement: COL4A1 is on the minus strand). VCF-style: chr13-110206897-A-T. GRCh37 (hg19) VCF-style: chr13-110859244-A-T.
Other names: c.781-6T>A (NM_001303110.2).
Identifiers: ClinVar variation 2117721 (VCV002117721.4), dbSNP rs761356086, ClinGen allele CA256286871.

ClinVar aggregate classification (germline): Uncertain significance (1 of 4 stars; one submission).

Submission:

Labcorp Genetics (formerly Invitae), Labcorp
Classification: Uncertain significance. Last evaluated: 2022-09-08. Review status: criteria provided, single submitter. Criteria: Invitae Variant Classification Sherloc (09022015). Collection method: clinical testing. Allele origin: germline.
Comment: This sequence change falls in intron 13 of the COL4A1 gene. It does not directly change the encoded amino acid sequence of the COL4A1 protein. This variant is not present in population databases (gnomAD no frequency). In summary, the available evidence is currently insufficient to determine the role of this variant in disease. Therefore, it has been classified as a Variant of Uncertain Significance. Algorithms developed to predict the effect of sequence changes on RNA splicing suggest that this variant may disrupt the consensus splice site. This variant has not been reported in the literature in individuals affected with COL4A1-related conditions.